The following is an entry in ClinVar:

ClinVar aggregate classification (germline): Uncertain significance. Review status: criteria provided, multiple submitters, no conflicts (2 of 4 stars). 2 submissions from 2 submitters: Uncertain significance (2). Last evaluated 2022-11-28.

Conditions:
Hereditary cancer-predisposing syndrome. Also called: Neoplastic Syndromes, Hereditary; Hereditary Cancer Syndrome; Tumor predisposition; Hereditary neoplastic syndrome. Identifiers: Orphanet 140162, MedGen C0027672, MeSH D009386, MONDO:0015356.
Rhabdoid tumor predisposition syndrome 2 (RTPS2). Identifiers: Orphanet 231108, Orphanet 69077, MedGen C2750074, MONDO:0013224, OMIM 613325.

Submissions (2):

Ambry Genetics
Classification: Uncertain significance for Hereditary cancer-predisposing syndrome. Last evaluated: 2022-11-28. Review status: criteria provided, single submitter. Criteria: Ambry Variant Classification Scheme 2023. Collection method: clinical testing. Allele origin: germline.
Comment: The c.4401_4403delCGA variant (also known as p.D1467del) is located in coding exon 30 of the SMARCA4 gene. This variant results from an in-frame CGA deletion at nucleotide positions 4401 to 4403. This results in the in-frame deletion of an aspartic acid at codon 1467. This amino acid position is not well conserved in available vertebrate species. In addition, the in silico prediction for this alteration is inconclusive (Choi Y et al. PLoS ONE. 2012; 7(10):e46688). Missense and in-frame variants in SMARCA4 are known to cause neurodevelopmental disorders; however, such associations with rhabdoid tumor predisposition syndrome including small cell carcinoma of the ovary-hypercalcemic type (SCCOHT) are exceedingly rare (Kosho T et al. Am J Med Genet C Semin Med Genet. 2014 Sep;166C(3):262-75; Jelinic P et al. Nat Genet. 2014 May;46(5):424-6). Since supporting evidence is limited at this time, the clinical significance of this alteration remains unclear.

Labcorp Genetics (formerly Invitae), Labcorp
Classification: Uncertain significance for Rhabdoid tumor predisposition syndrome 2. Last evaluated: 2021-07-01. Review status: criteria provided, single submitter. Criteria: Invitae Variant Classification Sherloc (09022015). Collection method: clinical testing. Allele origin: germline.
Comment: This variant, c.4401_4403del, results in the deletion of 1 amino acid(s) of the SMARCA4 protein (p.Asp1467del), but otherwise preserves the integrity of the reading frame. This variant is not present in population databases (ExAC no frequency). This variant has not been reported in the literature in individuals affected with SMARCA4-related conditions. Experimental studies and prediction algorithms are not available or were not evaluated, and the functional significance of this variant is currently unknown. In summary, the available evidence is currently insufficient to determine the role of this variant in disease. Therefore, it has been classified as a Variant of Uncertain Significance.

NM_003072.5(SMARCA4):c.4302CGA[1] (p.Asp1435del)

Gene: SMARCA4 (SWI/SNF related BAF chromatin remodeling complex subunit ATPase 4; plus strand). Cytogenetic location: 19p13.2.
Variant type: Microsatellite.
Coding change: c.4302CGA[1] on transcript NM_003072.5 (MANE Select); one copy of the 3-base unit CGA starting at c.4302; the reference has two copies in a row; one copy, 3 bases deleted.
Protein change: p.Asp1435del; deletes aspartic acid 1435.
Molecular consequence: inframe deletion. On other transcripts: non-coding transcript variant (1).
Genome position (GRCh38, 1-based): chr19:11,041,441-11,041,443, CGA deleted; deleting any 3 consecutive bases within chr19:11,041,436-11,041,443 gives the same sequence; the position shown is the placement nearest the transcript's 3' end. VCF-style (leftmost placement, unchanged base first): chr19-11041435-GGAC-G. GRCh37 (hg19) VCF-style: chr19-11152111-GGAC-G.
Other names: c.4401_4403delCGA (NM_001128849.1); c.4302CGA[1], p.Asp1435del (NM_001128844.3); c.4212CGA[1], p.Asp1405del (NM_001128845.2, NM_001128846.2); c.4203CGA[1], p.Asp1402del (NM_001128847.4, NM_001128848.2, NM_001374457.1); c.4398CGA[1], p.Asp1467del (NM_001128849.3, NM_001387283.1); short protein forms D1435del, D1405del, D1402del, D1467del.
Identifiers: ClinVar variation 1477493 (VCV001477493.9), dbSNP rs2075606466, ClinGen allele CA2322735010.